The following is an entry in ClinVar:

ClinVar aggregate classification (germline): Likely pathogenic. Review status: criteria provided, multiple submitters, no conflicts (2 of 4 stars). 2 submissions from 2 submitters: Likely pathogenic (2). Last evaluated 2023-05-01.

Conditions:
Gastric adenocarcinoma and proximal polyposis of the stomach (GAPPS). Also called: Polyposis, gastric, Dos Santos and de Magalhaes 1980; POLYPOSIS, GASTRIC; Gastric Adenocarcinoma and Proximal Polyposis of the Stomach (GAPPS). Identifiers: Orphanet 314022, MedGen C4749917, MONDO:0017790, OMIM 619182.
Colorectal cancer. Also called: Colorectal cancer, somatic; Malignant Colorectal Neoplasm. Identifiers: MedGen C0346629, MONDO:0005575, OMIM 114500.
Desmoid disease, hereditary (DESMD). Also called: FIBROMATOSIS, FAMILIAL INFILTRATIVE. Identifiers: Orphanet 873, MedGen C1851124, OMIM 135290. Disease mechanism: loss of function.
Familial adenomatous polyposis 1 (FAP1). Also called: FAMILIAL ADENOMATOUS POLYPOSIS 1, ATTENUATED; POLYPOSIS, ADENOMATOUS INTESTINAL. Identifiers: MedGen C2713442, MONDO:0021056, OMIM 175100. Disease mechanism: loss of function.
Gastric cancer. Also called: Malignant tumor of stomach; Stomach cancer. Identifiers: MedGen C0024623, MeSH D013274, MONDO:0001056, OMIM 613659, HP:0012126.
Hepatocellular carcinoma (HCC). Also called: HEPATOMA; LIVER CELL CARCINOMA; Primary carcinoma of liver. Identifiers: Orphanet 88673, MedGen C2239176, MONDO:0007256, OMIM 114550, HP:0001402.

Submissions (2):

Myriad Genetics, Inc.
Classification: Likely pathogenic for Familial adenomatous polyposis 1. Last evaluated: 2023-05-01. Review status: criteria provided, single submitter. Criteria: Myriad Autosomal Dominant, Autosomal Recessive and X-Linked Classification Criteria (2023). Collection method: clinical testing. Allele origin: unknown.
Comment: This variant is considered likely pathogenic. This variant has been reported in multiple individuals with clinical features of gene-specific disease [PMID: 22431159, 27683109]. mRNA analysis has demonstrated abnormal mRNA splicing occurs [PMID: 22431159, 27683109].

Department of Pathology and Laboratory Medicine, Sinai Health System
Classification: Likely pathogenic for Colorectal cancer; Hepatocellular carcinoma; Desmoid disease, hereditary; Familial adenomatous polyposis 1; Gastric cancer; Gastric adenocarcinoma and proximal polyposis of the stomach. Review status: criteria provided, single submitter. Criteria: ACMG Guidelines, 2015. Collection method: clinical testing. Allele origin: germline.

Literature cited by the submitters: PubMed 22431159 (cited by Myriad Genetics, Inc.); PubMed 27683109 (cited by Myriad Genetics, Inc.).

NM_000038.6(APC):c.1408+731C>T

Gene: APC (APC regulator of Wnt signaling pathway; plus strand). Cytogenetic location: 5q22.2.
Variant type: single nucleotide variant.
Coding change: c.1408+731C>T on transcript NM_000038.6 (MANE Select); 731 bases into the intron after coding-DNA position 1408, C replaced by T.
Molecular consequence: intron variant.
Genome position (GRCh38, 1-based): chr5:112,822,722, C>T. VCF-style: chr5-112822722-C-T. GRCh37 (hg19) VCF-style: chr5-112158419-C-T.
Other names: c.559+731C>T (NM_001407470.1, NM_001354906.2); c.256+731C>T (NM_001407472.1, NM_001407471.1); c.1409-585C>T (NM_001407447.1, NM_001407448.1, NM_001407449.1 and 1 more transcripts); c.1408+731C>T (NM_001354895.2, NM_001407450.1, NM_001127510.3); c.1106-585C>T (NM_001407456.1, NM_001407457.1, NM_001407455.1 and 1 more transcripts); c.1105+731C>T (NM_001407460.1, NM_001407458.1, NM_001407459.1 and 1 more transcripts); c.1325-585C>T (NM_001407452.1); c.1021+731C>T (NM_001407469.1, NM_001407467.1); and 11 more.
Identifiers: ClinVar variation 2583787 (VCV002583787.3), dbSNP rs2533124596, ClinGen allele CA658760618.